The following is an entry in ClinVar:

NM_015909.4(NBAS):c.5518A>G (p.Met1840Val)

Gene: NBAS (NBAS subunit of NRZ tethering complex; minus strand). Cytogenetic location: 2p24.3.
Variant type: single nucleotide variant.
Coding change: c.5518A>G on transcript NM_015909.4 (MANE Select); coding-DNA position 5518, A replaced by G.
Protein change: p.Met1840Val; replaces methionine 1840 with valine.
Molecular consequence: missense variant. On other transcripts: non-coding transcript variant (1).
Genome position (GRCh38, 1-based): chr2:15,275,690, T>C on the plus strand (A>G on the coding strand, the complement: NBAS is on the minus strand). VCF-style: chr2-15275690-T-C. GRCh37 (hg19) VCF-style: chr2-15415814-T-C.
Other names: c.5518A>G (NM_015909.2); short protein forms M1840V.
Identifiers: ClinVar variation 1924356 (VCV001924356.5), dbSNP rs1669544471, ClinGen allele CA345882940.

ClinVar aggregate classification (germline): Uncertain significance. Review status: criteria provided, multiple submitters, no conflicts (2 of 4 stars). 2 submissions from 2 submitters: Uncertain significance (2). Last evaluated 2024-09-30.

Conditions:
Inborn genetic diseases. Identifiers: MedGen C0950123, MeSH D030342.

Allele frequency attached by ClinVar (database versions not stated): gnomAD exomes below 0.00001; TOPMed 0.00002.

Submissions (2):

Ambry Genetics
Classification: Uncertain significance for Inborn genetic diseases. Last evaluated: 2024-09-30. Review status: criteria provided, single submitter. Criteria: Ambry Variant Classification Scheme 2023. Collection method: clinical testing. Allele origin: germline.

Labcorp Genetics (formerly Invitae), Labcorp
Classification: Uncertain significance. Last evaluated: 2023-10-13. Review status: criteria provided, single submitter. Criteria: Invitae Variant Classification Sherloc (09022015). Collection method: clinical testing. Allele origin: germline.
Comment: This sequence change replaces methionine, which is neutral and non-polar, with valine, which is neutral and non-polar, at codon 1840 of the NBAS protein (p.Met1840Val). This variant is not present in population databases (gnomAD no frequency). This variant has not been reported in the literature in individuals affected with NBAS-related conditions. ClinVar contains an entry for this variant (Variation ID: 1924356). Advanced modeling of protein sequence and biophysical properties (such as structural, functional, and spatial information, amino acid conservation, physicochemical variation, residue mobility, and thermodynamic stability) performed at Invitae indicates that this missense variant is not expected to disrupt NBAS protein function. In summary, the available evidence is currently insufficient to determine the role of this variant in disease. Therefore, it has been classified as a Variant of Uncertain Significance.